The following is an entry in ClinVar:

NM_001365951.3(KIF1B):c.4512G>C (p.Glu1504Asp)

Gene: KIF1B (kinesin family member 1B; plus strand). Cytogenetic location: 1p36.22.
Variant type: single nucleotide variant.
Coding change: c.4512G>C on transcript NM_001365951.3 (MANE Select); coding-DNA position 4512, G replaced by C.
Protein change: p.Glu1504Asp; replaces glutamic acid 1504 with aspartic acid.
Molecular consequence: missense variant.
Genome position (GRCh38, 1-based): chr1:10,365,245, G>C. VCF-style: chr1-10365245-G-C. GRCh37 (hg19) VCF-style: chr1-10425303-G-C.
Other names: c.4512G>C, p.Glu1504Asp (NM_001365952.1); c.4374G>C, p.Glu1458Asp (NM_015074.3); short protein forms E1458D, E1504D.
Identifiers: ClinVar variation 3226498 (VCV003226498.1), dbSNP rs2521912162, ClinGen allele CA338321276.

ClinVar aggregate classification (germline): Uncertain significance (1 of 4 stars; one submission).

Submission:

Ambry Genetics
Classification: Uncertain significance. Last evaluated: 2023-10-13. Review status: criteria provided, single submitter. Criteria: Ambry Variant Classification Scheme 2023. Collection method: clinical testing. Allele origin: germline.
Comment: The p.E1458D variant (also known as c.4374G>C), located in coding exon 39 of the KIF1B gene, results from a G to C substitution at nucleotide position 4374. The glutamic acid at codon 1458 is replaced by aspartic acid, an amino acid with highly similar properties. However, this change occurs in the last base pair of coding exon 39, which makes it likely to have some effect on normal mRNA splicing. This nucleotide position is highly conserved in available vertebrate species. This amino acid position is highly conserved in available vertebrate species. In silico splice site analysis predicts that this alteration will weaken the native splice donor site. In addition, as a missense substitution this is predicted to be inconclusive by in silico analysis. The evidence for this gene-disease relationship is limited; therefore, the clinical significance of this alteration is unclear.